The following is an entry in ClinVar:

ClinVar aggregate classification (germline): Uncertain significance (1 of 4 stars; one submission).

Conditions:
Emery-Dreifuss muscular dystrophy 4, autosomal dominant (EDMD4). Also called: EMERY-DREIFUSS MUSCULAR DYSTROPHY 4 WITH VARIABLE FEATURES. Identifiers: Orphanet 261, MedGen C2751807, MONDO:0013071, OMIM 612998.
Autosomal recessive ataxia, Beauce type. Also called: Spinocerebellar ataxia, autosomal recessive 8; ATAXIA, RECESSIVE, OF BEAUCE; SYNE1 Deficiency; SYNE1-Related Autosomal Recessive Cerebellar Ataxia. Identifiers: Orphanet 88644, MedGen C1853116, MONDO:0012549, OMIM 610743.

Allele frequency attached by ClinVar (database versions not stated): ExAC 0.00001; gnomAD exomes 0.00001; gnomAD 0.00003.
gnomAD v4.1: 13 of 1,613,402 alleles (0.00081%); highest among the groups gnomAD compares: African/African-American, 0.0027%; no homozygotes.

Submission:

Labcorp Genetics (formerly Invitae), Labcorp
Classification: Uncertain significance for Emery-Dreifuss muscular dystrophy 4, autosomal dominant; Autosomal recessive ataxia, Beauce type. Last evaluated: 2022-07-19. Review status: criteria provided, single submitter. Criteria: Invitae Variant Classification Sherloc (09022015). Collection method: clinical testing. Allele origin: germline.
Comment: This sequence change replaces alanine, which is neutral and non-polar, with valine, which is neutral and non-polar, at codon 5686 of the SYNE1 protein (p.Ala5686Val). This variant is present in population databases (rs766395351, gnomAD 0.004%). This variant has not been reported in the literature in individuals affected with SYNE1-related conditions. ClinVar contains an entry for this variant (Variation ID: 1433237). Algorithms developed to predict the effect of missense changes on protein structure and function (SIFT, PolyPhen-2, Align-GVGD) all suggest that this variant is likely to be disruptive. In summary, the available evidence is currently insufficient to determine the role of this variant in disease. Therefore, it has been classified as a Variant of Uncertain Significance.

NM_182961.4(SYNE1):c.17270C>T (p.Ala5757Val)

Gene: SYNE1 (spectrin repeat containing nuclear envelope protein 1; minus strand). Cytogenetic location: 6q25.2.
Variant type: single nucleotide variant.
Coding change: c.17270C>T on transcript NM_182961.4 (MANE Select); coding-DNA position 17270, C replaced by T.
Protein change: p.Ala5757Val; replaces alanine 5757 with valine.
Molecular consequence: missense variant.
Genome position (GRCh38, 1-based): chr6:152,308,565, G>A on the plus strand (C>T on the coding strand, the complement: SYNE1 is on the minus strand). VCF-style: chr6-152308565-G-A. GRCh37 (hg19) VCF-style: chr6-152629700-G-A.
Other names: c.17057C>T, p.Ala5686Val (NM_033071.5); short protein forms A5757V, A5686V.
Identifiers: ClinVar variation 1433237 (VCV001433237.3), dbSNP rs766395351, ClinGen allele CA4055278.